The following is an entry in ClinVar:

ClinVar aggregate classification (germline): Likely benign. Review status: criteria provided, multiple submitters, no conflicts (2 of 4 stars). 2 submissions from 2 submitters: Likely benign (2). Last evaluated 2018-05-29.

Conditions:
Leigh syndrome (NULS). Also called: Leigh's necrotizing encephalopathy; Leigh's disease; Leigh's syndrome; Leigh Syndrome (mtDNA deletion); Leigh Disease; LEIGH SYNDROME, NUCLEAR. Identifiers: Orphanet 506, MedGen C2931891, MONDO:0009723, OMIM 256000.

Allele frequency attached by ClinVar (database versions not stated): TOPMed 0.01171; 1000 Genomes Project 30x 0.01234; gnomAD 0.01063 and 0.01155; gnomAD exomes 0.00085; 1000 Genomes Project 0.01198.
gnomAD v4.1: 2,321 of 984,550 alleles (0.24%); highest among the groups gnomAD compares: African/African-American, 3.8%; 53 homozygotes.

Submissions (2):

Blueprint Genetics
Classification: Likely benign. Last evaluated: 2018-05-29. Review status: criteria provided, single submitter. Criteria: ACMG Guidelines, 2015. Collection method: clinical testing. Allele origin: germline.

Illumina Laboratory Services, Illumina
Classification: Likely benign for Leigh syndrome. Last evaluated: 2018-01-13. Review status: criteria provided, single submitter. Criteria: ICSL Variant Classification Criteria 13 December 2019. Collection method: clinical testing. Allele origin: germline.
Comment: This variant was observed in the ICSL laboratory as part of a predisposition screen in an ostensibly healthy population. It had not been previously curated by ICSL or reported in the Human Gene Mutation Database (HGMD: prior to June 1st, 2018), and was therefore a candidate for classification through an automated scoring system. Utilizing variant allele frequency, disease prevalence and penetrance estimates, and inheritance mode, an automated score was calculated to assess if this variant is too frequent to cause the disease. Based on the score and internal cut-off values, a variant classified as likely benign is not then subjected to further curation. The score for this variant resulted in a classification of likely benign for this disease.

NM_004376.5(COX15):c.*2640T>G

Genes: COX15 (cytochrome c oxidase assembly factor COX15; minus strand), ENTPD7 (ectonucleoside triphosphate diphosphohydrolase 7; plus strand). Cytogenetic location: 10q24.2.
Variant type: single nucleotide variant.
Coding change: c.*2640T>G on transcript NM_004376.5; 2640 bases downstream of the stop codon, T replaced by G.
Molecular consequence: 3 prime UTR variant (on NM_020354.5). On other transcripts: intron variant (1).
Genome position (GRCh38, 1-based): chr10:99,710,774, A>C on the plus strand (T>G on the coding strand, the complement: COX15 is on the minus strand). VCF-style: chr10-99710774-A-C. GRCh37 (hg19) VCF-style: chr10-101470531-A-C.
Other names: c.*3813T>G (NM_078470.4); c.*6091A>C (NM_001349962.2, NM_001349963.2, NM_020354.5); c.1101+5574T>G (NM_001320974.2).
Identifiers: ClinVar variation 298383 (VCV000298383.8), dbSNP rs80332976, ClinGen allele CA10636689.